The following is an entry in ClinVar:

NM_018480.7(TMEM126B):c.34C>T (p.Pro12Ser)

Genes: TMEM126B (transmembrane protein 126B; plus strand), LOC130006548 (ATAC-STARR-seq lymphoblastoid active region 5364; plus strand). Cytogenetic location: 11q14.1.
Variant type: single nucleotide variant.
Coding change: c.34C>T on transcript NM_018480.7 (MANE Select); coding-DNA position 34, C replaced by T.
Protein change: p.Pro12Ser; replaces proline 12 with serine.
Molecular consequence: missense variant. On other transcripts: 5 prime UTR variant (5), synonymous variant (1), non-coding transcript variant (2).
Genome position (GRCh38, 1-based): chr11:85,628,641, C>T. VCF-style: chr11-85628641-C-T. GRCh37 (hg19) VCF-style: chr11-85339685-C-T.
Other names: c.-158C>T (NM_001193537.3, NM_001350395.2); c.-229C>T (NM_001193538.3, NM_001350396.2); c.-129C>T (NM_001256546.2); c.18C>T, p.Ser6= (NM_001256547.2); c.34C>T, p.Pro12Ser (NM_001350393.1, NM_001350394.2); short protein forms P12S.
Identifiers: ClinVar variation 1392636 (VCV001392636.6), dbSNP rs2153300533, ClinGen allele CA381988063.
Genomic context (GRCh38, chr11:85,628,641, plus strand): 5'-CACCGGCAAGTCACATGAGCCACCAAAATGGTGGTGTTCGGGTATGAGGCTGGGACTAAG[C>T]CAAGGGATTCAGGTGTGGTGCCGGTGGGAACTGAGGAAGCGCCCAAGGTAGGCGGAAATC-3'
Protein context (NP_060950.3, residues 2-22): VVFGYEAGTK[Pro12Ser]RDSGVVPVGT

ClinVar aggregate classification (germline): Uncertain significance (1 of 4 stars; one submission).

gnomAD v4.1: 1 of 1,536,150 alleles (0.000065%); highest among the groups gnomAD compares: African/African-American, 0.0014%; no homozygotes.

Submission:

Labcorp Genetics (formerly Invitae), Labcorp
Classification: Uncertain significance. Last evaluated: 2021-11-11. Review status: criteria provided, single submitter. Criteria: Invitae Variant Classification Sherloc (09022015). Collection method: clinical testing. Allele origin: germline.
Comment: This sequence change replaces proline, which is neutral and non-polar, with serine, which is neutral and polar, at codon 12 of the TMEM126B protein (p.Pro12Ser). This variant is not present in population databases (gnomAD no frequency). In summary, the available evidence is currently insufficient to determine the role of this variant in disease. Therefore, it has been classified as a Variant of Uncertain Significance. Algorithms developed to predict the effect of missense changes on protein structure and function output the following: SIFT: "Tolerated"; PolyPhen-2: "Benign"; Align-GVGD: "Class C0". The serine amino acid residue is found in multiple mammalian species, which suggests that this missense change does not adversely affect protein function. This variant has not been reported in the literature in individuals affected with TMEM126B-related conditions.